The following is an entry in ClinVar:

NM_031407.7(HUWE1):c.1981A>T (p.Ser661Cys)

Gene: HUWE1 (HECT, UBA and WWE domain containing E3 ubiquitin protein ligase 1; minus strand). Cytogenetic location: Xp11.22.
Variant type: single nucleotide variant.
Coding change: c.1981A>T on transcript NM_031407.7 (MANE Select); coding-DNA position 1981, A replaced by T.
Protein change: p.Ser661Cys; replaces serine 661 with cysteine.
Molecular consequence: missense variant.
Genome position (GRCh38, 1-based): chrX:53,615,812, T>A on the plus strand (A>T on the coding strand, the complement: HUWE1 is on the minus strand). VCF-style: chrX-53615812-T-A. GRCh37 (hg19) VCF-style: chrX-53642773-T-A.
Other names: short protein forms S661C.
Identifiers: ClinVar variation 3252157 (VCV003252157.1), dbSNP rs2527424853.

ClinVar aggregate classification (germline): Likely pathogenic (1 of 4 stars; one submission).

Submission:

GeneDx
Classification: Likely pathogenic. Last evaluated: 2023-07-28. Review status: criteria provided, single submitter. Criteria: GeneDx Variant Classification Process June 2021. Collection method: clinical testing. Allele origin: germline. Affected: yes.
Comment: Not observed at significant frequency in large population cohorts (gnomAD); In silico analysis supports that this missense variant has a deleterious effect on protein structure/function; Has not been previously published as pathogenic or benign to our knowledge